The following is an entry in ClinVar:

NM_000719.7(CACNA1C):c.1640A>G (p.Asn547Ser)

Gene: CACNA1C (calcium voltage-gated channel subunit alpha1 C; plus strand). Cytogenetic location: 12p13.33.
Variant type: single nucleotide variant.
Coding change: c.1640A>G on transcript NM_000719.7 (MANE Select); coding-DNA position 1640, A replaced by G.
Protein change: p.Asn547Ser; replaces asparagine 547 with serine.
Molecular consequence: missense variant.
Genome position (GRCh38, 1-based): chr12:2,566,553, A>G. VCF-style: chr12-2566553-A-G. GRCh37 (hg19) VCF-style: chr12-2675719-A-G.
Other names: c.1640A>G, p.Asn547Ser (NM_001129827.2, NM_001129829.2, NM_001129830.3 and 18 more transcripts); c.1631A>G, p.Asn544Ser (NM_001129844.2); short protein forms N547S, N544S.
Identifiers: ClinVar variation 1902502 (VCV001902502.8), dbSNP rs768614762, ClinGen allele CA6388824.

ClinVar aggregate classification (germline): Uncertain significance. Review status: criteria provided, multiple submitters, no conflicts (2 of 4 stars). 3 submissions from 3 submitters: Uncertain significance (3). Last evaluated 2025-12-19.

Conditions:
Long QT syndrome (LQTS). Identifiers: MedGen C0023976, MeSH D008133, MONDO:0002442. Disease mechanism: loss of function. Inheritance: Various modes of inheritance.
Cardiovascular phenotype. Identifiers: MedGen CN230736.

Allele frequency attached by ClinVar (database versions not stated): gnomAD 0.00001; TOPMed 0.00001; ExAC 0.00002.
gnomAD v4.1: 8 of 1,599,022 alleles (0.0005%); highest among the groups gnomAD compares: East Asian, 0.0045%; no homozygotes.

Submissions (3):

Labcorp Genetics (formerly Invitae), Labcorp
Classification: Uncertain significance for Long QT syndrome. Last evaluated: 2025-12-19. Review status: criteria provided, single submitter. Criteria: Invitae Variant Classification Sherloc (09022015). Collection method: clinical testing. Allele origin: germline.
Comment: This sequence change replaces asparagine, which is neutral and polar, with serine, which is neutral and polar, at codon 547 of the CACNA1C protein (p.Asn547Ser). The frequency data for this variant in the population databases is considered unreliable, as metrics indicate poor data quality at this position in the gnomAD database. This missense change has been observed in individual(s) with Brugada syndrome (PMID: 23575362). ClinVar contains an entry for this variant (Variation ID: 1902502). Invitae Evidence Modeling of protein sequence and biophysical properties (such as structural, functional, and spatial information, amino acid conservation, physicochemical variation, residue mobility, and thermodynamic stability) has been performed for this missense variant. However, the output from this modeling did not meet the statistical confidence thresholds required to predict the impact of this variant on CACNA1C protein function. In summary, the available evidence is currently insufficient to determine the role of this variant in disease. Therefore, it has been classified as a Variant of Uncertain Significance.

Ambry Genetics
Classification: Uncertain significance for Cardiovascular phenotype. Last evaluated: 2025-04-14. Review status: criteria provided, single submitter. Criteria: Ambry Variant Classification Scheme 2023. Collection method: clinical testing. Allele origin: germline.
Comment: The p.N547S variant (also known as c.1640A>G), located in coding exon 12 of the CACNA1C gene, results from an A to G substitution at nucleotide position 1640. The asparagine at codon 547 is replaced by serine, an amino acid with highly similar properties. This variant has been detected in an asymptomatic individual reported to have Brugada syndrome pattern on ECG, and in a sudden infant death case (Fukuyama M et al. Circ J, 2013 Apr;77:1799-806; Cazzato F et al. Int J Legal Med. 2024 Nov;138(6):2229-2237). This amino acid position is not well conserved in available vertebrate species. In addition, this alteration is predicted to be tolerated by in silico analysis. Based on the available evidence, the clinical significance of this variant remains unclear.

GeneDx
Classification: Uncertain significance. Last evaluated: 2024-08-25. Review status: criteria provided, single submitter. Criteria: GeneDx Variant Classification Process June 2021. Collection method: clinical testing. Allele origin: germline. Affected: yes.
Comment: Identified in a patient with Brugada syndrome in the published literature, who inherited the variant from an unaffected parent (PMID: 23575362); In silico analysis supports that this missense variant has a deleterious effect on protein structure/function; Not observed at significant frequency in large population cohorts (gnomAD); This variant is associated with the following publications: (PMID: 31315195, 30420954, 37122210, 30345660, 30821013, 30662450, 23575362)

Literature cited by the submitters: PubMed 23575362 (cited by Labcorp Genetics (formerly Invitae), Labcorp and Ambry Genetics); PubMed 38849547 (cited by Ambry Genetics).